The following is an entry in ClinVar:

ClinVar aggregate classification (germline): Uncertain significance (1 of 4 stars; one submission).

Submission:

Labcorp Genetics (formerly Invitae), Labcorp
Classification: Uncertain significance. Last evaluated: 2024-03-16. Review status: criteria provided, single submitter. Criteria: Invitae Variant Classification Sherloc (09022015). Collection method: clinical testing. Allele origin: germline.
Comment: This sequence change replaces aspartic acid, which is acidic and polar, with valine, which is neutral and non-polar, at codon 457 of the LRP5 protein (p.Asp457Val). This variant is not present in population databases (gnomAD no frequency). This variant has not been reported in the literature in individuals affected with LRP5-related conditions. Advanced modeling of protein sequence and biophysical properties (such as structural, functional, and spatial information, amino acid conservation, physicochemical variation, residue mobility, and thermodynamic stability) performed at Invitae indicates that this missense variant is expected to disrupt LRP5 protein function with a positive predictive value of 95%. In summary, the available evidence is currently insufficient to determine the role of this variant in disease. Therefore, it has been classified as a Variant of Uncertain Significance.

NM_002335.4(LRP5):c.1370A>T (p.Asp457Val)

Gene: LRP5 (LDL receptor related protein 5; plus strand). Cytogenetic location: 11q13.2.
Variant type: single nucleotide variant.
Coding change: c.1370A>T on transcript NM_002335.4 (MANE Select); coding-DNA position 1370, A replaced by T.
Protein change: p.Asp457Val; replaces aspartic acid 457 with valine.
Molecular consequence: missense variant. On other transcripts: 5 prime UTR variant (1).
Genome position (GRCh38, 1-based): chr11:68,386,670, A>T. VCF-style: chr11-68386670-A-T. GRCh37 (hg19) VCF-style: chr11-68154138-A-T.
Other names: c.-396A>T (NM_001291902.2); short protein forms D457V.
Identifiers: ClinVar variation 3689865 (VCV003689865.2).